The following is an entry in ClinVar:

NM_000448.3(RAG1):c.2988G>T (p.Leu996Phe)

Gene: RAG1 (recombination activating 1; plus strand). Cytogenetic location: 11p12.
Variant type: single nucleotide variant.
Coding change: c.2988G>T on transcript NM_000448.3 (MANE Select); coding-DNA position 2988, G replaced by T.
Protein change: p.Leu996Phe; replaces leucine 996 with phenylalanine.
Molecular consequence: missense variant.
Genome position (GRCh38, 1-based): chr11:36,576,292, G>T. VCF-style: chr11-36576292-G-T. GRCh37 (hg19) VCF-style: chr11-36597842-G-T.
Other names: c.2988G>T, p.Leu996Phe (NM_001377277.1, NM_001377278.1, NM_001377279.1 and 1 more transcripts); short protein forms L996F.
Identifiers: ClinVar variation 1034221 (VCV001034221.1), dbSNP rs1388654836, ClinGen allele CA380136452.

ClinVar aggregate classification (germline): Uncertain significance (1 of 4 stars; one submission).

Conditions:
Combined immunodeficiency due to partial RAG1 deficiency. Identifiers: Orphanet 231154, MedGen C1835931, MONDO:0012359, OMIM 609889.

gnomAD v4.1: 1 of 1,613,992 alleles (0.000062%); no homozygotes.

Submission:

Baylor Genetics
Classification: Uncertain significance for Combined immunodeficiency due to partial RAG1 deficiency. Last evaluated: 2018-11-03. Review status: criteria provided, single submitter. Criteria: ACMG Guidelines, 2015. Collection method: clinical testing. Allele origin: paternal. Affected: yes.
Comment: This variant was determined to be of uncertain significance according to ACMG Guidelines, 2015 [PMID:25741868].